The following is an entry in ClinVar:

NM_001848.3(COL6A1):c.2022G>A (p.Val674=)

Gene: COL6A1 (collagen type VI alpha 1 chain; plus strand). Cytogenetic location: 21q22.3.
Variant type: single nucleotide variant.
Coding change: c.2022G>A on transcript NM_001848.3 (MANE Select); coding-DNA position 2022, G replaced by A.
Protein change: p.Val674=; no amino-acid change (valine 674 retained).
Molecular consequence: synonymous variant.
Genome position (GRCh38, 1-based): chr21:46,002,026, G>A. VCF-style: chr21-46002026-G-A. GRCh37 (hg19) VCF-style: chr21-47421940-G-A.
Identifiers: ClinVar variation 543027 (VCV000543027.32), dbSNP rs764099825, ClinGen allele CA10070721.

ClinVar aggregate classification (germline): Likely benign. Review status: criteria provided, multiple submitters, no conflicts (2 of 4 stars). 2 submissions from 2 submitters: Likely benign (2). Last evaluated 2023-06-01.

Conditions:
Bethlem myopathy 1A. Also called: MYOPATHY, BENIGN CONGENITAL, WITH CONTRACTURES; Bethlem myopathy 1; Bethlem Muscular Dystrophy. Identifiers: Orphanet 610, MedGen CN029274, MONDO:0024530, OMIM 158810.

Allele frequency attached by ClinVar (database versions not stated): gnomAD exomes below 0.00001; ExAC 0.00001.
gnomAD v4.1: 2 of 1,612,664 alleles (0.00012%); highest among the groups gnomAD compares: South Asian, 0.0011%; no homozygotes.

Submissions (2):

CeGaT Center for Human Genetics Tuebingen
Classification: Likely benign. Last evaluated: 2023-06-01. Review status: criteria provided, single submitter. Criteria: CeGaT Center For Human Genetics Tuebingen Variant Classification Criteria Version 2. Collection method: clinical testing. Allele origin: germline. Affected: yes. Observed: 1 variant allele.
Comment: COL6A1: BP4, BP7

Labcorp Genetics (formerly Invitae), Labcorp
Classification: Likely benign for Bethlem myopathy 1A. Last evaluated: 2022-05-12. Review status: criteria provided, single submitter. Criteria: Invitae Variant Classification Sherloc (09022015). Collection method: clinical testing. Allele origin: germline.